The following is an entry in ClinVar:

NM_030662.4(MAP2K2):c.787G>A (p.Gly263Arg)

Gene: MAP2K2 (mitogen-activated protein kinase kinase 2; minus strand). Cytogenetic location: 19p13.3.
Variant type: single nucleotide variant.
Coding change: c.787G>A on transcript NM_030662.4 (MANE Select); coding-DNA position 787, G replaced by A.
Protein change: p.Gly263Arg; replaces glycine 263 with arginine.
Molecular consequence: missense variant.
Genome position (GRCh38, 1-based): chr19:4,099,333, C>T on the plus strand (G>A on the coding strand, the complement: MAP2K2 is on the minus strand). VCF-style: chr19-4099333-C-T. GRCh37 (hg19) VCF-style: chr19-4099331-C-T.
Other names: p.G263R:GGA>AGA; short protein forms G263R.
Identifiers: ClinVar variation 180914 (VCV000180914.44), dbSNP rs730880522, ClinGen allele CA296182.

ClinVar aggregate classification (germline): Conflicting classifications of pathogenicity. Review status: criteria provided, conflicting classifications (1 of 4 stars). 4 submissions from 4 submitters: Likely pathogenic (1); Uncertain significance (3). Last evaluated 2024-11-26.

Conditions:
RASopathy. Also called: rasopathies; Noonan spectrum disorder. Identifiers: Orphanet 536391, MedGen C5555857, MONDO:0021060.

Allele frequency attached by ClinVar (database versions not stated): gnomAD exomes 0.00001; TOPMed 0.00001; gnomAD 0.00002; ExAC 0.00003.

Submissions (4):

Labcorp Genetics (formerly Invitae), Labcorp
Classification: Uncertain significance for RASopathy. Last evaluated: 2024-11-26. Review status: criteria provided, single submitter. Criteria: Invitae Variant Classification Sherloc (09022015). Collection method: clinical testing. Allele origin: germline.
Comment: This sequence change replaces glycine, which is neutral and non-polar, with arginine, which is basic and polar, at codon 263 of the MAP2K2 protein (p.Gly263Arg). The frequency data for this variant in the population databases is considered unreliable, as metrics indicate poor data quality at this position in the gnomAD database. This variant has not been reported in the literature in individuals affected with MAP2K2-related conditions. ClinVar contains an entry for this variant (Variation ID: 180914). Invitae Evidence Modeling incorporating data from in vitro experimental studies (internal data) indicates that this missense variant is not expected to disrupt MAP2K2 function with a negative predictive value of 95%. In summary, the available evidence is currently insufficient to determine the role of this variant in disease. Therefore, it has been classified as a Variant of Uncertain Significance.

Mendelics
Classification: Uncertain significance. Last evaluated: 2022-05-04. Review status: criteria provided, single submitter. Criteria: Mendelics Assertion Criteria 2019. Collection method: clinical testing. Allele origin: germline.

CeGaT Center for Human Genetics Tuebingen
Classification: Uncertain significance. Last evaluated: 2020-12-01. Review status: criteria provided, single submitter. Criteria: CeGaT Center For Human Genetics Tuebingen Variant Classification Criteria Version 2. Collection method: clinical testing. Allele origin: germline. Affected: yes. Observed: 1 variant allele.

GeneDx
Classification: Likely pathogenic. Last evaluated: 2014-02-03. Review status: criteria provided, single submitter. Criteria: GeneDx Variant Classification (06012015). Collection method: clinical testing. Allele origin: germline. Affected: yes.
Comment: p.Gly263Arg (GGA>AGA): c.787 G>A in exon 7 of the MAP2K2 gene (NM_030662.3). The G263R missense change has not been previously reported as a disease-causing mutation or as a benign polymorphism, to our knowledge. The G263R missense change is a non-conservative amino acid substitution with a non-polar and neutral residue (Gly) being replaced by a polar and positively charged residue (Arg). The residue at which this substitution occurs is highly conserved. Another missense mutation (K273R) has been reported at a nearby residue. The G263R variant was not observed in approximately 6,500 individuals of European and African American ancestry in the NHLBI Exome Sequencing Project, indicating it is not a common benign variant in these populations. Although the majority of missense changes in MAP2K2 are pathogenic mutations, the potential for benign coding variants to exist in this gene must be considered. The variant is found in NOONAN panel(s).